The following is an entry in ClinVar:

NM_001378454.1(ALMS1):c.11339G>T (p.Ser3780Ile)

Gene: ALMS1 (ALMS1 centrosome and basal body associated protein; plus strand). Cytogenetic location: 2p13.1.
Variant type: single nucleotide variant.
Coding change: c.11339G>T on transcript NM_001378454.1 (MANE Select); coding-DNA position 11339, G replaced by T.
Protein change: p.Ser3780Ile; replaces serine 3780 with isoleucine.
Molecular consequence: missense variant.
Genome position (GRCh38, 1-based): chr2:73,573,216, G>T. VCF-style: chr2-73573216-G-T. GRCh37 (hg19) VCF-style: chr2-73800343-G-T.
Other names: c.11342G>T, p.Ser3781Ile (NM_015120.4); short protein forms S3780I, S3781I.
Identifiers: ClinVar variation 1393247 (VCV001393247.5), dbSNP rs1674982019, ClinGen allele CA347289161.
Genomic context (GRCh38, chr2:73,573,216, plus strand): 5'-CTGTCGAATCAGATATATTGACCCAAACAGATAGAGAGGTGGCTCTGCACGAAAGGAGTA[G>T]CTCTGTTTCCACTATTGACACTGCCCGGCTGATTCAAGCTTTTGGCCATGAAAGAGTATG-3'
Protein context (NP_001365383.1, residues 3770-3790): DREVALHERS[Ser3780Ile]SVSTIDTARL

ClinVar aggregate classification (germline): Uncertain significance (1 of 4 stars; one submission).

Conditions:
Alstrom syndrome (ALMS). Identifiers: Orphanet 64, MedGen C0268425, MONDO:0008763, OMIM 203800.

Submission:

Labcorp Genetics (formerly Invitae), Labcorp
Classification: Uncertain significance for Alstrom syndrome. Last evaluated: 2022-08-09. Review status: criteria provided, single submitter. Criteria: Invitae Variant Classification Sherloc (09022015). Collection method: clinical testing. Allele origin: germline.
Comment: In summary, the available evidence is currently insufficient to determine the role of this variant in disease. Therefore, it has been classified as a Variant of Uncertain Significance. This sequence change replaces serine, which is neutral and polar, with isoleucine, which is neutral and non-polar, at codon 3781 of the ALMS1 protein (p.Ser3781Ile). This variant is not present in population databases (gnomAD no frequency). This variant has not been reported in the literature in individuals affected with ALMS1-related conditions. ClinVar contains an entry for this variant (Variation ID: 1393247). Experimental studies and prediction algorithms are not available or were not evaluated, and the functional significance of this variant is currently unknown.